The following is an entry in ClinVar:

ClinVar aggregate classification (germline): Uncertain significance (1 of 4 stars; one submission).

Allele frequency attached by ClinVar (database versions not stated): gnomAD exomes 0.00001.
gnomAD v4.1: 11 of 1,613,796 alleles (0.00068%); highest among the groups gnomAD compares: Non-Finnish European, 0.00093%; no homozygotes.

Submission:

Labcorp Genetics (formerly Invitae), Labcorp
Classification: Uncertain significance. Last evaluated: 2021-04-15. Review status: criteria provided, single submitter. Criteria: Invitae Variant Classification Sherloc (09022015). Collection method: clinical testing. Allele origin: germline.
Comment: In summary, the available evidence is currently insufficient to determine the role of this variant in disease. Therefore, it has been classified as a Variant of Uncertain Significance. Algorithms developed to predict the effect of missense changes on protein structure and function are either unavailable or do not agree on the potential impact of this missense change (SIFT: "Deleterious"; PolyPhen-2: "Probably Damaging"; Align-GVGD: "Class C15"). This variant has not been reported in the literature in individuals with USH2A-related conditions. This variant is not present in population databases (ExAC no frequency). This sequence change replaces leucine with phenylalanine at codon 2865 of the USH2A protein (p.Leu2865Phe). The leucine residue is highly conserved and there is a small physicochemical difference between leucine and phenylalanine.

NM_206933.4(USH2A):c.8593C>T (p.Leu2865Phe)

Gene: USH2A (usherin; minus strand). Cytogenetic location: 1q41.
Variant type: single nucleotide variant.
Coding change: c.8593C>T on transcript NM_206933.4 (MANE Select); coding-DNA position 8593, C replaced by T.
Protein change: p.Leu2865Phe; replaces leucine 2865 with phenylalanine.
Molecular consequence: missense variant.
Genome position (GRCh38, 1-based): chr1:215,877,846, G>A on the plus strand (C>T on the coding strand, the complement: USH2A is on the minus strand). VCF-style: chr1-215877846-G-A. GRCh37 (hg19) VCF-style: chr1-216051188-G-A.
Other names: short protein forms L2865F.
Identifiers: ClinVar variation 1413122 (VCV001413122.8), dbSNP rs2102450789, ClinGen allele CA344829699.
Genomic context (GRCh38, chr1:215,877,846, plus strand): 5'-ACTGAGTTCCTGAATAAATATTGTGCCACCGATTTAAATCTTCTGGGGGATTTGATGCAA[G>A]TGGCTGCTGGATTTTACGTCTCAGAAGCTCATATCTAAAGCAAAAGACAAGCAGGAACAT-3'
Protein context (NP_996816.3, residues 2855-2875): ELLRRKIQQP[Leu2865Phe]ASNPPEDLNR